The following is an entry in ClinVar:

NM_004606.5(TAF1):c.389A>G (p.Asp130Gly)

Gene: TAF1 (TATA-box binding protein associated factor 1; plus strand). Cytogenetic location: Xq13.1.
Variant type: single nucleotide variant.
Coding change: c.389A>G on transcript NM_004606.5 (MANE Select); coding-DNA position 389, A replaced by G.
Protein change: p.Asp130Gly; replaces aspartic acid 130 with glycine.
Molecular consequence: missense variant. On other transcripts: non-coding transcript variant (9).
Genome position (GRCh38, 1-based): chrX:71,375,203, A>G. VCF-style: chrX-71375203-A-G. GRCh37 (hg19) VCF-style: chrX-70595053-A-G.
Other names: c.389A>G, p.Asp130Gly (NM_001286074.2, NM_138923.4); short protein forms D130G.
Identifiers: ClinVar variation 3602228 (VCV003602228.2).

ClinVar aggregate classification (germline): Uncertain significance (1 of 4 stars; one submission).

Submission:

GeneDx
Classification: Uncertain significance. Last evaluated: 2025-04-24. Review status: criteria provided, single submitter. Criteria: GeneDx Variant Classification Process June 2021. Collection method: clinical testing. Allele origin: germline. Affected: yes.
Comment: Not observed at significant frequency in large population cohorts (gnomAD); In silico analysis supports that this missense variant has a deleterious effect on protein structure/function; Has not been previously published as pathogenic or benign to our knowledge